The following is an entry in ClinVar:

NM_024334.3(TMEM43):c.207G>A (p.Ser69=)

Gene: TMEM43 (transmembrane protein 43; plus strand). Cytogenetic location: 3p25.1.
Variant type: single nucleotide variant.
Coding change: c.207G>A on transcript NM_024334.3 (MANE Select); coding-DNA position 207, G replaced by A.
Protein change: p.Ser69=; no amino-acid change (serine 69 retained).
Molecular consequence: synonymous variant.
Genome position (GRCh38, 1-based): chr3:14,130,866, G>A. VCF-style: chr3-14130866-G-A. GRCh37 (hg19) VCF-style: chr3-14172366-G-A.
Identifiers: ClinVar variation 343501 (VCV000343501.12), dbSNP rs886058030, ClinGen allele CA10617441.

ClinVar aggregate classification (germline): Conflicting classifications of pathogenicity. Review status: criteria provided, conflicting classifications (1 of 4 stars). 4 submissions from 4 submitters: Uncertain significance (1); Likely benign (3). Last evaluated 2026-01-11.

Conditions:
Cardiomyopathy (CMYO). Also called: Cardiomyopathies. Identifiers: Orphanet 167848, MedGen C0878544, MONDO:0004994, HP:0001638. Inheritance: Various modes of inheritance.
Cardiovascular phenotype. Identifiers: MedGen CN230736.
Arrhythmogenic right ventricular dysplasia 5. Also called: Arrhythmogenic Right Ventricular Dysplasia/Cardiomyopathy 5; ARRHYTHMOGENIC RIGHT VENTRICULAR DYSPLASIA, FAMILIAL, 5. Identifiers: MedGen C1858379, MONDO:0011459, OMIM 604400.

Allele frequency attached by ClinVar (database versions not stated): gnomAD exomes below 0.00001 and 0.00001; TOPMed below 0.00001.
gnomAD v4.1: 6 of 1,613,812 alleles (0.00037%); highest among the groups gnomAD compares: Admixed American, 0.0017%; no homozygotes.

Submissions (4):

Labcorp Genetics (formerly Invitae), Labcorp
Classification: Likely benign for Arrhythmogenic right ventricular dysplasia 5. Last evaluated: 2026-01-11. Review status: criteria provided, single submitter. Criteria: Invitae Variant Classification Sherloc (09022015). Collection method: clinical testing. Allele origin: germline.

Ambry Genetics
Classification: Uncertain significance for Cardiovascular phenotype. Last evaluated: 2024-03-12. Review status: criteria provided, single submitter. Criteria: Ambry Variant Classification Scheme 2023. Collection method: clinical testing. Allele origin: germline.
Comment: The c.207G>A variant (also known as p.S69S), located in coding exon 3 of the TMEM43 gene, results from a G to A substitution at nucleotide position 207. This nucleotide substitution does not change the serine at codon 69. This nucleotide position is poorly conserved in available vertebrate species. In silico splice site analysis predicts that this alteration may result in the creation or strengthening of a novel splice acceptor site. Based on the available evidence, the clinical significance of this alteration remains unclear.

All of Us Research Program, National Institutes of Health
Classification: Likely benign for Arrhythmogenic right ventricular dysplasia 5. Last evaluated: 2023-12-01. Review status: criteria provided, single submitter. Criteria: ACMG Guidelines, 2015. Collection method: clinical testing. Allele origin: germline. Inheritance: Autosomal dominant inheritance. Observed: 1 variant allele, 1 heterozygote.
Comment: This study involves interpretation of variants in research participants for the purpose of population health screening. Participant phenotype was not available at the time of variant classification. Additional details can be found in publication PMID: 35346344, PMCID: PMC8962531

Color Diagnostics, LLC DBA Color Health
Classification: Likely benign for Cardiomyopathy. Last evaluated: 2018-11-27. Review status: criteria provided, single submitter. Criteria: ACMG Guidelines, 2015. Collection method: clinical testing. Allele origin: germline.